The following is an entry in ClinVar:

ClinVar aggregate classification (germline): Uncertain significance (1 of 4 stars; one submission).

Submission:

Labcorp Genetics (formerly Invitae), Labcorp
Classification: Uncertain significance. Last evaluated: 2022-06-11. Review status: criteria provided, single submitter. Criteria: Invitae Variant Classification Sherloc (09022015). Collection method: clinical testing. Allele origin: germline.
Comment: This variant, c.591_592delinsTT, is a complex sequence change that results in the deletion of 2 and insertion of 2 amino acid(s) in the GPAA1 protein (p.Glu197_Ala198delinsAspSer). Information on the frequency of this variant in the gnomAD database is not available, as this variant may be reported differently in the database. This variant has not been reported in the literature in individuals affected with GPAA1-related conditions. Experimental studies and prediction algorithms are not available or were not evaluated, and the functional significance of this variant is currently unknown. In summary, the available evidence is currently insufficient to determine the role of this variant in disease. Therefore, it has been classified as a Variant of Uncertain Significance.

NM_003801.4(GPAA1):c.591_592delinsTT (p.Glu197_Ala198delinsAspSer)

Gene: GPAA1 (glycosylphosphatidylinositol anchor attachment 1; plus strand). Cytogenetic location: 8q24.3.
Variant type: Indel.
Coding change: c.591_592delinsTT on transcript NM_003801.4 (MANE Select); coding-DNA positions 591 to 592, AG replaced by TT.
Protein change: p.Glu197_Ala198delinsAspSer.
Molecular consequence: missense variant.
Genome position (GRCh38, 1-based): chr8:144,084,015-144,084,016, AG replaced by TT. VCF-style: chr8-144084015-AG-TT. GRCh37 (hg19) VCF-style: chr8-145138918-AG-TT.
Identifiers: ClinVar variation 2004690 (VCV002004690.1), dbSNP rs2537315511, ClinGen allele CA2580078647.